The following is an entry in ClinVar:

NM_003738.5(PTCH2):c.2842G>A (p.Gly948Ser)

Gene: PTCH2 (patched 2; minus strand). Cytogenetic location: 1p34.1.
Variant type: single nucleotide variant.
Coding change: c.2842G>A on transcript NM_003738.5 (MANE Select); coding-DNA position 2842, G replaced by A.
Protein change: p.Gly948Ser; replaces glycine 948 with serine.
Molecular consequence: missense variant.
Genome position (GRCh38, 1-based): chr1:44,826,622, C>T on the plus strand (G>A on the coding strand, the complement: PTCH2 is on the minus strand). VCF-style: chr1-44826622-C-T. GRCh37 (hg19) VCF-style: chr1-45292294-C-T.
Other names: c.2842G>A, p.Gly948Ser (NM_001166292.2); short protein forms G948S.
Identifiers: ClinVar variation 2636380 (VCV002636380.4), dbSNP rs754017399, ClinGen allele CA822873.
Genomic context (GRCh38, chr1:44,826,622, plus strand): 5'-CGGCCAGCAGGAAGCAGCGCCGCAGGCCCAGATACTGTTCCCAGAAGAGGAAGGGGGAGC[C>T]GCTGGGGTAGGCGTGCACCCCAGCCTGGCCGGCCTCTGCGCATGCTGCCCGGGCCCCCTC-3'
Protein context (NP_003729.3, residues 938-958): GQAGVHAYPS[Gly948Ser]SPFLFWEQYL

ClinVar aggregate classification (germline): Uncertain significance. Review status: criteria provided, multiple submitters, no conflicts (2 of 4 stars). 2 submissions from 2 submitters: Uncertain significance (2). Last evaluated 2023-04-28.

Conditions:
PTCH2-related disorder. Also called: PTCH2-related condition; PTCH2-related disease.
Gorlin syndrome. Also called: Nevoid Basal Cell Carcinoma Syndrome; Basal cell nevus syndrome. Identifiers: Orphanet 377, MedGen C0004779, MONDO:0007187.

Allele frequency attached by ClinVar (database versions not stated): gnomAD 0.00001; gnomAD exomes 0.00001; TOPMed 0.00001; ExAC 0.00002.
gnomAD v4.1: 15 of 1,613,066 alleles (0.00093%); highest among the groups gnomAD compares: African/African-American, 0.0013%; no homozygotes.

Submissions (2):

Labcorp Genetics (formerly Invitae), Labcorp
Classification: Uncertain significance for Gorlin syndrome. Last evaluated: 2023-04-28. Review status: criteria provided, single submitter. Criteria: Invitae Variant Classification Sherloc (09022015). Collection method: clinical testing. Allele origin: germline.
Comment: In summary, the available evidence is currently insufficient to determine the role of this variant in disease. Therefore, it has been classified as a Variant of Uncertain Significance. This sequence change replaces glycine, which is neutral and non-polar, with serine, which is neutral and polar, at codon 948 of the PTCH2 protein (p.Gly948Ser). This variant is present in population databases (rs754017399, gnomAD 0.004%). This variant has not been reported in the literature in individuals affected with PTCH2-related conditions. Advanced modeling of protein sequence and biophysical properties (such as structural, functional, and spatial information, amino acid conservation, physicochemical variation, residue mobility, and thermodynamic stability) performed at Invitae indicates that this missense variant is expected to disrupt PTCH2 protein function.

PreventionGenetics, part of Exact Sciences
Classification: Uncertain significance for PTCH2-related condition. Last evaluated: 2022-09-06. Review status: criteria provided, single submitter. Criteria: ACMG Guidelines, 2015. Collection method: clinical testing. Allele origin: germline.
Comment: The PTCH2 c.2842G>A variant is predicted to result in the amino acid substitution p.Gly948Ser. To our knowledge, this variant has not been reported in the literature. This variant is reported in 0.0050% of alleles in individuals of East Asian descent in gnomAD. At this time, the clinical significance of this variant is uncertain due to the absence of conclusive functional and genetic evidence.